The following is an entry in ClinVar:

NM_000022.4(ADA):c.698C>T (p.Thr233Ile)

Gene: ADA (adenosine deaminase; minus strand). Cytogenetic location: 20q13.12.
Variant type: single nucleotide variant.
Coding change: c.698C>T on transcript NM_000022.4 (MANE Select); coding-DNA position 698, C replaced by T.
Protein change: p.Thr233Ile; replaces threonine 233 with isoleucine.
Molecular consequence: missense variant. On other transcripts: non-coding transcript variant (1).
Genome position (GRCh38, 1-based): chr20:44,622,911, G>A on the plus strand (C>T on the coding strand, the complement: ADA is on the minus strand). VCF-style: chr20-44622911-G-A. GRCh37 (hg19) VCF-style: chr20-43251552-G-A.
Other names: c.293C>T, p.Thr98Ile (NM_001322050.2); c.626C>T, p.Thr209Ile (NM_001322051.2); short protein forms T233I, T209I, T98I.
Identifiers: ClinVar variation 1980 (VCV000001980.6), dbSNP rs121908729, ClinGen allele CA115295.

ClinVar aggregate classification (germline): Uncertain significance. Review status: criteria provided, multiple submitters, no conflicts (2 of 4 stars). 4 submissions from 4 submitters: Uncertain significance (2). 2 of the submissions do not count toward it. Last evaluated 2025-09-02.

Conditions:
Severe combined immunodeficiency, autosomal recessive, T cell-negative, B cell-negative, NK cell-negative, due to adenosine deaminase deficiency. Also called: ADA-SCID; Adenosine Deaminase Deficiency; SCID DUE TO ADA DEFICIENCY; SCID DUE TO ADA DEFICIENCY, EARLY-ONSET; ADA deficiency; Adenosine deaminase deficient severe combined immunodeficiency. Identifiers: Orphanet 277, MedGen C0392607, MONDO:0007064, OMIM 102700.
Partial adenosine deaminase deficiency. Also called: PARTIAL ADA DEFICIENCY. Identifiers: MedGen C1863239.

Allele frequency attached by ClinVar (database versions not stated): TOPMed below 0.00001.
gnomAD v4.1: 1 of 1,614,256 alleles (0.000062%); no homozygotes.

Submissions (4):

Women's Health and Genetics/Laboratory Corporation of America, LabCorp
Classification: Uncertain significance. Last evaluated: 2025-09-02. Review status: criteria provided, single submitter. Criteria: LabCorp Variant Classification Summary - May 2015. Collection method: clinical testing. Allele origin: germline.
Comment: Variant summary: ADA c.698C>T (p.Thr233Ile) results in a non-conservative amino acid change in the encoded protein sequence. Algorithms developed to predict the effect of missense changes on protein structure and function all suggest that this variant is likely to be disruptive. The variant was absent in 251494 control chromosomes. c.698C>T has been observed as a homozygous genotype in at-least one individual(s) affected with partial adenosine deaminase (ADA) deficiency without overt features of Severe Combined Immunodeficiency (Hirschhorn_1997). These report(s) do not provide unequivocal conclusions about association of the variant with Severe Combined Immunodeficiency. At least one publication reports experimental evidence evaluating an impact on protein function. The most pronounced variant effect results in 20% of normal activity (Hirschhorn_1997). The following publications have been ascertained in the context of this evaluation (PMID: 9225964, 9361033). ClinVar contains an entry for this variant (Variation ID: 1980). Based on the evidence outlined above, the variant was classified as VUS-possibly pathogenic.

Labcorp Genetics (formerly Invitae), Labcorp
Classification: Uncertain significance for Severe combined immunodeficiency, autosomal recessive, T cell-negative, B cell-negative, NK cell-negative, due to adenosine deaminase deficiency. Last evaluated: 2022-07-05. Review status: criteria provided, single submitter. Criteria: Invitae Variant Classification Sherloc (09022015). Collection method: clinical testing. Allele origin: germline.
Comment: This sequence change replaces threonine, which is neutral and polar, with isoleucine, which is neutral and non-polar, at codon 233 of the ADA protein (p.Thr233Ile). This variant is not present in population databases (gnomAD no frequency). This missense change has been observed in individual(s) with partial adenosine deaminase deficiency (PMID: 9225964). ClinVar contains an entry for this variant (Variation ID: 1980). Advanced modeling of protein sequence and biophysical properties (such as structural, functional, and spatial information, amino acid conservation, physicochemical variation, residue mobility, and thermodynamic stability) performed at Invitae indicates that this missense variant is expected to disrupt ADA protein function. Experimental studies have shown that this missense change affects ADA function (PMID: 9225964). In summary, the available evidence is currently insufficient to determine the role of this variant in disease. Therefore, it has been classified as a Variant of Uncertain Significance.

OMIM
Classification: Pathogenic for ADENOSINE DEAMINASE DEFICIENCY, PARTIAL. Last evaluated: 1997-07-01. Review status: no assertion criteria provided. Collection method: literature only. Allele origin: germline. Not counted in ClinVar's aggregate classification.

UniProtKB/Swiss-Prot
No classification provided. Condition: Severe combined immunodeficiency due to ADA deficiency. Review status: no classification provided. Collection method: not provided. Allele origin: unknown. Not counted in ClinVar's aggregate classification.

Literature cited by the submitters: PubMed 9225964 (cited by 3 submitters); PubMed 9361033 (cited by Women's Health and Genetics/Laboratory Corporation of America, LabCorp).